The following is an entry in ClinVar:

ClinVar aggregate classification (germline): Pathogenic. Review status: criteria provided, multiple submitters, no conflicts (2 of 4 stars). 5 submissions from 5 submitters: Pathogenic (4). 1 of the submissions does not count toward it. Last evaluated 2024-04-22.

Conditions:
CHEK2-related disorder.
Familial cancer of breast. Also called: BREAST CANCER, FAMILIAL; Hereditary breast cancer; hereditary breast carcinoma. Identifiers: Orphanet 227535, MedGen C0346153, MONDO:0016419, OMIM 114480. Disease mechanism: loss of function.
Hereditary cancer-predisposing syndrome. Also called: Hereditary Cancer Syndrome; Hereditary neoplastic syndrome; Neoplastic Syndromes, Hereditary; Tumor predisposition. Identifiers: Orphanet 140162, MedGen C0027672, MeSH D009386, MONDO:0015356.

Submissions (5):

Labcorp Genetics (formerly Invitae), Labcorp
Classification: Pathogenic for Familial cancer of breast. Last evaluated: 2024-04-22. Review status: criteria provided, single submitter. Criteria: Invitae Variant Classification Sherloc (09022015). Collection method: clinical testing. Allele origin: germline.
Comment: This sequence change creates a premature translational stop signal (p.Asp6Metfs*55) in the CHEK2 gene. It is expected to result in an absent or disrupted protein product. Loss-of-function variants in CHEK2 are known to be pathogenic (PMID: 21876083, 24713400). This variant is not present in population databases (gnomAD no frequency). This variant has not been reported in the literature in individuals affected with CHEK2-related conditions. ClinVar contains an entry for this variant (Variation ID: 1432638). For these reasons, this variant has been classified as Pathogenic.

Quest Diagnostics Nichols Institute San Juan Capistrano
Classification: Pathogenic. Last evaluated: 2023-12-21. Review status: criteria provided, single submitter. Criteria: Quest Diagnostics criteria. Collection method: clinical testing. Allele origin: unknown.
Comment: The CHEK2 c.16del (p.Asp6Metfs*55) variant alters the translational reading frame of the CHEK2 mRNA and causes the premature termination of CHEK2 protein synthesis. This variant has been reported in the published literature in an individual with advanced cancer undergoing tumor DNA sequencing (PMID: 28873162 (2017)). This variant has not been reported in large, multi-ethnic general populations (Genome Aggregation Database). Based on the available information, this variant is classified as pathogenic.

Myriad Genetics, Inc.
Classification: Pathogenic for Familial cancer of breast. Last evaluated: 2023-06-22. Review status: criteria provided, single submitter. Criteria: Myriad Autosomal Dominant, Autosomal Recessive and X-Linked Classification Criteria (2023). Collection method: clinical testing. Allele origin: unknown.
Comment: This variant is considered pathogenic. This variant creates a frameshift predicted to result in premature protein truncation.

Ambry Genetics
Classification: Pathogenic for Hereditary cancer-predisposing syndrome. Last evaluated: 2022-09-28. Review status: criteria provided, single submitter. Criteria: Ambry Variant Classification Scheme 2023. Collection method: clinical testing. Allele origin: germline.
Comment: The c.16delG variant, located in coding exon 1 of the CHEK2 gene, results from a deletion of one nucleotide at nucleotide position 16, causing a translational frameshift with a predicted alternate stop codon (p.D6Mfs*55). This variant has been previously reported as a germline mutation in a patient with breast carcinoma (Mandelker D et al. JAMA, 2017 09;318:825-835). In addition to the clinical data presented in the literature, this alteration is expected to result in loss of function by premature protein truncation or nonsense-mediated mRNA decay. As such, this alteration is interpreted as a disease-causing mutation.

PreventionGenetics, part of Exact Sciences
Classification: Pathogenic for CHEK2-related condition. Last evaluated: 2024-01-17. Review status: no assertion criteria provided. Collection method: clinical testing. Allele origin: germline. Not counted in ClinVar's aggregate classification.
Comment: The CHEK2 c.16delG variant is predicted to result in a frameshift and premature protein termination (p.Asp6Metfs*55). This variant was reported in an individual with cancer (eTable 1 in Mandelker et al. 2017. PubMed ID: 28873162). This variant has not been reported in a large population database, indicating this variant is rare and has been interpreted as pathogenic in ClinVar. Frameshift variants in CHEK2 are expected to be pathogenic. This variant is interpreted as pathogenic.

Literature cited by the submitters: PubMed 21876083 (cited by Labcorp Genetics (formerly Invitae), Labcorp); PubMed 24713400 (cited by Labcorp Genetics (formerly Invitae), Labcorp); PubMed 28873162 (cited by Quest Diagnostics Nichols Institute San Juan Capistrano and Ambry Genetics).

NM_007194.4(CHEK2):c.16del (p.Asp6fs)

Gene: CHEK2 (checkpoint kinase 2; minus strand). Cytogenetic location: 22q12.1.
Variant type: Deletion.
Coding change: c.16del on transcript NM_007194.4 (MANE Select); coding-DNA position 16, one base deleted (G; older notation c.16delG).
Protein change: p.Asp6fs; shifts the reading frame from aspartic acid 6.
Molecular consequence: frameshift variant.
Genome position (GRCh38, 1-based): chr22:28,734,706, C deleted on the plus strand (G on the coding strand, the reverse complement: CHEK2 is on the minus strand); the first of 2 consecutive C bases (chr22:28,734,706-28,734,707); deleting either gives the same sequence. VCF-style (leftmost placement, unchanged base first): chr22-28734705-TC-T. GRCh37 (hg19) VCF-style: chr22-29130693-TC-T.
Other names: c.15delG, p.Asp6Metfs (NM_001005735.3, NM_001349956.3, NM_145862.3); c.-763delG (NM_001257387.3); c.16delG (NM_007194.3); short protein forms D6fs.
Identifiers: ClinVar variation 1432638 (VCV001432638.13), dbSNP rs2146156838, ClinGen allele CA2573157848.
Genomic context (GRCh38, chr22:28,734,705, plus strand): 5'-GTAACGCTGCCATGGGGCTGTGAACAGGCACTGCTGCCATGAGACTGCTGAGCCTCAACA[TC>T]CGACTCCCGAGACATCACGACCTCAAAAAGAAAGTGTCCAACAACAAAGGTGAGTTTCAA-3'